The following is an entry in ClinVar:

ClinVar aggregate classification (germline): Likely pathogenic (1 of 4 stars; one submission).

Conditions:
Fanconi anemia (FA). Also called: Fanconi's anemia. Identifiers: Orphanet 84, MedGen C0015625, MeSH D005199, MONDO:0019391.

Submission:

Labcorp Genetics (formerly Invitae), Labcorp
Classification: Likely pathogenic for Fanconi anemia. Last evaluated: 2023-09-11. Review status: criteria provided, single submitter. Criteria: Invitae Variant Classification Sherloc (09022015). Collection method: clinical testing. Allele origin: germline.
Comment: In summary, the currently available evidence indicates that the variant is pathogenic, but additional data are needed to prove that conclusively. Therefore, this variant has been classified as Likely Pathogenic. Algorithms developed to predict the effect of sequence changes on RNA splicing suggest that this variant may disrupt the consensus splice site. This variant has not been reported in the literature in individuals affected with FANCG-related conditions. This variant is not present in population databases (gnomAD no frequency). This sequence change affects a donor splice site in intron 1 of the FANCG gene. It is expected to disrupt RNA splicing. Variants that disrupt the donor or acceptor splice site typically lead to a loss of protein function (PMID: 16199547), and loss-of-function variants in FANCG are known to be pathogenic (PMID: 12552564).

Literature cited by the submitters: PubMed 16199547; PubMed 12552564.

NM_004629.2(FANCG):c.84+1G>A

Gene: FANCG (FA complementation group G; minus strand). Cytogenetic location: 9p13.3.
Variant type: single nucleotide variant.
Coding change: c.84+1G>A on transcript NM_004629.2 (MANE Select); the canonical splice donor site of the intron after coding-DNA position 84, G replaced by A.
Molecular consequence: splice donor variant.
Genome position (GRCh38, 1-based): chr9:35,079,440, C>T on the plus strand (G>A on the coding strand, the complement: FANCG is on the minus strand). VCF-style: chr9-35079440-C-T. GRCh37 (hg19) VCF-style: chr9-35079437-C-T.
Identifiers: ClinVar variation 3010428 (VCV003010428.3), dbSNP rs1829144030, ClinGen allele CA373315852.